The following is an entry in ClinVar:

ClinVar aggregate classification (germline): Conflicting classifications of pathogenicity. Review status: criteria provided, conflicting classifications (1 of 4 stars). 10 submissions from 10 submitters: Uncertain significance (7); Likely benign (3). Last evaluated 2026-01-05.

Conditions:
Tuberous sclerosis 2 (TSC2). Identifiers: Orphanet 805, MedGen C1860707, MONDO:0013199, OMIM 613254.
Isolated focal cortical dysplasia type II (FCORD2). Also called: Focal cortical dysplasia type II; CORTICAL DYSPLASIA OF TAYLOR. Identifiers: Orphanet 268994, MedGen C1846385, MONDO:0011818, OMIM 607341, HP:0032051.
Lymphangiomyomatosis (LAM). Also called: Lymphangioleiomyomatosis, somatic; Lymphangioleiomyomatosis. Identifiers: Orphanet 538, MedGen C0751674, MONDO:0011705, OMIM 606690.
TSC2-related disorder. Also called: TSC2-related condition; TSC2-Related Disorders.
Hereditary cancer-predisposing syndrome. Also called: Neoplastic Syndromes, Hereditary; Hereditary neoplastic syndrome; Tumor predisposition; Hereditary Cancer Syndrome. Identifiers: Orphanet 140162, MedGen C0027672, MeSH D009386, MONDO:0015356.
Tuberous sclerosis syndrome (TSC). Also called: Tuberous Sclerosis Complex; Tuberous sclerosis. Identifiers: Orphanet 805, MedGen C0041341, MONDO:0001734.

Allele frequency attached by ClinVar (database versions not stated): gnomAD exomes 0.00001 and 0.00002; gnomAD 0.00003; TOPMed 0.00003; ExAC 0.00005; ESP Exome Variant Server 0.00008.

Submissions (10):

Ambry Genetics
Classification: Uncertain significance for Hereditary cancer-predisposing syndrome. Last evaluated: 2026-01-05. Review status: criteria provided, single submitter. Criteria: Ambry Variant Classification Scheme 2023. Collection method: clinical testing. Allele origin: germline.
Comment: The c.673G>A (p.V225M) alteration is located in exon 8 (coding exon 7) of the TSC2 gene. This alteration results from a G to A substitution at nucleotide position 673, causing the valine (V) at amino acid position 225 to be replaced by a methionine (M). Based on data from gnomAD, the A allele has an overall frequency of 0.002% (6/249856) total alleles studied. The highest observed frequency was 0.006% (1/16248) of African alleles. Based on insufficient or conflicting evidence, the clinical significance of this alteration remains unclear.

Labcorp Genetics (formerly Invitae), Labcorp
Classification: Likely benign for Tuberous sclerosis 2. Last evaluated: 2025-12-08. Review status: criteria provided, single submitter. Criteria: Invitae Variant Classification Sherloc (09022015). Collection method: clinical testing. Allele origin: germline.

PreventionGenetics, part of Exact Sciences
Classification: Uncertain significance for TSC2-related condition. Last evaluated: 2025-10-01. Review status: criteria provided, single submitter. Criteria: ACMG Guidelines, 2015. Collection method: clinical testing. Allele origin: germline.
Comment: The TSC2 c.673G>A variant is predicted to result in the amino acid substitution p.Val225Met. This variant has been reported with uncertain significance in an individual with renal cell carcinoma (Supplementary Table 1B, Yngvadottir et al. 2022. PubMed ID: 35441217). This variant is reported in 0.0062% of alleles in individuals of African descent in gnomAD and has conflicting interpretations in ClinVar, ranging from uncertain and likely benign in (Variation ID: 406017). At this time, the clinical significance of this variant is uncertain due to the absence of conclusive functional and genetic evidence.

Revvity Omics, Revvity
Classification: Uncertain significance for Tuberous sclerosis 2. Last evaluated: 2025-05-06. Review status: criteria provided, single submitter. Criteria: ACMG Guidelines, 2015. Collection method: clinical testing. Allele origin: germline.

Fulgent Genetics
Classification: Likely benign for Lymphangiomyomatosis; Isolated focal cortical dysplasia type II; Tuberous sclerosis 2. Last evaluated: 2024-05-14. Review status: criteria provided, single submitter. Criteria: ACMG Guidelines, 2015. Collection method: clinical testing. Allele origin: germline.

All of Us Research Program, National Institutes of Health
Classification: Uncertain significance for Tuberous sclerosis syndrome. Last evaluated: 2023-07-11. Review status: criteria provided, single submitter. Criteria: ACMG Guidelines, 2015. Collection method: clinical testing. Allele origin: germline. Inheritance: Autosomal dominant inheritance. Observed: 3 variant alleles, 3 heterozygotes.
Comment: This missense variant replaces valine with methionine at codon 225 of the TSC2 protein. Computational prediction is inconclusive regarding the impact of this variant on protein structure and function (internally defined REVEL score threshold 0.5 < inconclusive < 0.7, PMID: 27666373). To our knowledge, functional studies have not been reported for this variant. This variant has not been reported in individuals affected with tuberous sclerosis complex in the literature. This variant has been identified in 6/249856 chromosomes in the general population by the Genome Aggregation Database (gnomAD). The available evidence is insufficient to determine the role of this variant in disease conclusively. Therefore, this variant is classified as a Variant of Uncertain Significance.

This study involves interpretation of variants in research participants for the purpose of population health screening. Participant phenotype was not available at the time of variant classification. Additional details can be found in publication PMID: 35346344, PMCID: PMC8962531

CeGaT Center for Human Genetics Tuebingen
Classification: Uncertain significance. Last evaluated: 2022-12-01. Review status: criteria provided, single submitter. Criteria: CeGaT Center For Human Genetics Tuebingen Variant Classification Criteria Version 2. Collection method: clinical testing. Allele origin: germline. Affected: yes. Observed: 1 variant allele.
Comment: TSC2: PP3

Color Diagnostics, LLC DBA Color Health
Classification: Uncertain significance for Tuberous sclerosis syndrome. Last evaluated: 2022-09-13. Review status: criteria provided, single submitter. Criteria: ACMG Guidelines, 2015. Collection method: clinical testing. Allele origin: germline.
Comment: This missense variant replaces valine with methionine at codon 225 of the TSC2 protein. Computational prediction is inconclusive regarding the impact of this variant on protein structure and function (internally defined REVEL score threshold 0.5 < inconclusive < 0.7, PMID: 27666373). To our knowledge, functional studies have not been reported for this variant. This variant has not been reported in individuals affected with tuberous sclerosis complex in the literature. This variant has been identified in 6/249856 chromosomes in the general population by the Genome Aggregation Database (gnomAD). The available evidence is insufficient to determine the role of this variant in disease conclusively. Therefore, this variant is classified as a Variant of Uncertain Significance.

Genome-Nilou Lab
Classification: Likely benign for Tuberous sclerosis 2. Last evaluated: 2021-11-07. Review status: criteria provided, single submitter. Criteria: ACMG Guidelines, 2015. Collection method: clinical testing. Allele origin: germline. Affected: no.

Sema4
Classification: Uncertain significance for Hereditary cancer-predisposing syndrome. Last evaluated: 2021-07-18. Review status: criteria provided, single submitter. Criteria: Sema4 Curation Guidelines. Collection method: curation. Allele origin: germline.
Comment: To the best of our knowledge, the TSC2 c.673G>A (p.V225M) variant has not been reported in individuals with TSC2-related disease. It was observed in 6/249856 chromosomes across all populations in the large and broad cohorts of the Genome Aggregation Database (PMID: 32461654). The variant has been reported in ClinVar (Variation ID 406017). Functional studies have not been performed and in silico predictions of the variant's effect on protein function are inconclusive. The evidence is insufficient to meet ACMG/AMP criteria for classifying the variant as benign or pathogenic. Thus, the clinical significance of this variant is currently uncertain.

NM_000548.5(TSC2):c.673G>A (p.Val225Met)

Gene: TSC2 (TSC complex subunit 2; plus strand). Cytogenetic location: 16p13.3.
Variant type: single nucleotide variant.
Coding change: c.673G>A on transcript NM_000548.5 (MANE Select); coding-DNA position 673, G replaced by A.
Protein change: p.Val225Met; replaces valine 225 with methionine.
Molecular consequence: missense variant.
Genome position (GRCh38, 1-based): chr16:2,056,668, G>A. VCF-style: chr16-2056668-G-A. GRCh37 (hg19) VCF-style: chr16-2106669-G-A.
Other names: c.673G>A, p.Val225Met (NM_001077183.3, NM_001114382.3, NM_001363528.2 and 3 more transcripts); c.562G>A, p.Val188Met (NM_001318827.2); c.526G>A, p.Val176Met (NM_001318829.2); c.73G>A, p.Val25Met (NM_001318831.2); c.706G>A, p.Val236Met (NM_001318832.2); c.673G>A (NM_000548.4); short protein forms V225M, V188M, V176M, V25M, V236M.
Identifiers: ClinVar variation 406017 (VCV000406017.55), dbSNP rs142919353, ClinGen allele CA056118.
Genomic context (GRCh38, chr16:2,056,668, plus strand): 5'-GGTAGGACGGGCGTGAGCCGTCTCCCTCTCCACCAGGTCTCCCTGCAGGTGCTGGACGCC[G>A]TGGTCTGCTACAACTGCCTGCCGGCTGAGAGCCTCCCGCTGTTCATCGTTACCCTCTGTC-3'
Protein context (NP_000539.2, residues 215-235): IEVSLQVLDA[Val225Met]VCYNCLPAES